The following is an entry in ClinVar:

NM_001363711.2(DUOX2):c.3664del (p.His1222fs)

Gene: DUOX2 (dual oxidase 2; minus strand). Cytogenetic location: 15q21.1.
Variant type: Deletion.
Coding change: c.3664del on transcript NM_001363711.2 (MANE Select); coding-DNA position 3664, one base deleted (C; older notation c.3664delC).
Protein change: p.His1222fs; shifts the reading frame from histidine 1222.
Molecular consequence: frameshift variant.
Genome position (GRCh38, 1-based): chr15:45,097,643, G deleted on the plus strand (C on the coding strand, the reverse complement: DUOX2 is on the minus strand); the first of 3 consecutive G bases (chr15:45,097,643-45,097,645); deleting any one gives the same sequence. VCF-style (leftmost placement, unchanged base first): chr15-45097642-TG-T. GRCh37 (hg19) VCF-style: chr15-45389840-TG-T.
Other names: c.3664del, p.His1222fs (NM_014080.5); short protein forms H1222fs.
Identifiers: ClinVar variation 3698965 (VCV003698965.2).

ClinVar aggregate classification (germline): Pathogenic (1 of 4 stars; one submission).

Submission:

Labcorp Genetics (formerly Invitae), Labcorp
Classification: Pathogenic. Last evaluated: 2024-03-18. Review status: criteria provided, single submitter. Criteria: Invitae Variant Classification Sherloc (09022015). Collection method: clinical testing. Allele origin: germline.
Comment: This sequence change creates a premature translational stop signal (p.His1222Thrfs*19) in the DUOX2 gene. It is expected to result in an absent or disrupted protein product. Loss-of-function variants in DUOX2 are known to be pathogenic (PMID: 12110737, 18765513, 21565790, 24423310, 24735383). This variant is not present in population databases (gnomAD no frequency). This variant has not been reported in the literature in individuals affected with DUOX2-related conditions. For these reasons, this variant has been classified as Pathogenic.

Literature cited by the submitters: PubMed 12110737; PubMed 18765513; PubMed 21565790; PubMed 24423310; PubMed 24735383.